The following is an entry in ClinVar:

NC_000019.9:g.(?_45682041)_(45685059_?)dup

Gene: BLOC1S3 (biogenesis of lysosomal organelles complex 1 subunit 3; plus strand). Cytogenetic location: 19q13.32.
Variant type: Duplication.
Identifiers: ClinVar variation 4887112 (VCV004887112.1).

ClinVar aggregate classification (germline): Benign (1 of 4 stars; one submission).

Submission:

Women's Health and Genetics/Laboratory Corporation of America, LabCorp
Classification: Benign. Last evaluated: 2026-06-19. Review status: criteria provided, single submitter. Criteria: LabCorp Variant Classification Summary - May 2015. Collection method: clinical testing. Allele origin: germline.
Comment: Variant summary: The variant involves the duplication of exons 1-2 in the BLOC1S3 gene. A presumed nomenclature of c.(?_-58)_(*1896_?)dup has been designated for the purposes of this classification. This duplication includes the entire coding sequence of the gene. As exact breakpoints are unknown, it may extend beyond the annotated region of the gene, to include other flanking genes. A large duplication (size: ~5 kb) which covers the entire coding sequence of the BLOC1S3 gene was found at a frequency of 0.0056 in 20378 control chromosomes in the gnomAD database (Structural Variants v2.1 dataset), including 1 homozygote. The observed variant frequency exceeds the estimated maximal expected allele frequency for disease-causing variants in BLOC1S3. To our knowledge, no occurrence of c.(?_-58)_(*1896_?)dup in individuals affected with BLOC1S3-related conditions and no experimental evidence demonstrating its impact on protein function have been reported. ClinVar contains an entry for this variant (Variation ID: 1413076). Based on the evidence outlined above, the variant was classified as benign.